The following is an entry in ClinVar:

NM_001165963.4(SCN1A):c.3276T>G (p.Val1092=)

Genes: SCN1A (sodium voltage-gated channel alpha subunit 1; minus strand), LOC102724058 (uncharacterized LOC102724058; plus strand). Cytogenetic location: 2q24.3.
Variant type: single nucleotide variant.
Coding change: c.3276T>G on transcript NM_001165963.4 (MANE Select); coding-DNA position 3276, T replaced by G.
Protein change: p.Val1092=; no amino-acid change (valine 1092 retained).
Molecular consequence: synonymous variant. On other transcripts: non-coding transcript variant (2).
Genome position (GRCh38, 1-based): chr2:166,036,201, A>C on the plus strand (T>G on the coding strand, the complement: SCN1A is on the minus strand). VCF-style: chr2-166036201-A-C. GRCh37 (hg19) VCF-style: chr2-166892711-A-C.
Other names: c.3192T>G, p.Val1064= (NM_001165964.3, NM_001353957.2, NM_001353958.2); c.3276T>G, p.Val1092= (NM_001202435.3, NM_001353948.2); c.3243T>G, p.Val1081= (NM_001353949.2, NM_001353950.2, NM_001353951.2 and 2 more transcripts); c.3240T>G, p.Val1080= (NM_001353954.2, NM_001353955.2); c.3189T>G, p.Val1063= (NM_001353960.2); c.834T>G, p.Val278= (NM_001353961.2).
Identifiers: ClinVar variation 1218948 (VCV001218948.13), dbSNP rs895560193, ClinGen allele CA59787193.

ClinVar aggregate classification (germline): Likely benign. Review status: criteria provided, multiple submitters, no conflicts (2 of 4 stars). 3 submissions from 3 submitters: Likely benign (3). Last evaluated 2025-01-06.

Conditions:
Early-infantile DEE. Also called: Ohtahara syndrome; Early infantile epileptic encephalopathy with suppression bursts; Early infantile epileptic encephalopathy. Identifiers: Orphanet 1934, MedGen C0393706, MONDO:0800491.

Allele frequency attached by ClinVar (database versions not stated): gnomAD exomes 0.00001 and 0.00002; TOPMed 0.00002.
gnomAD v4.1: 4 of 1,614,018 alleles (0.00025%); highest among the groups gnomAD compares: Admixed American, 0.0067%; no homozygotes.

Submissions (3):

Labcorp Genetics (formerly Invitae), Labcorp
Classification: Likely benign for Early-infantile DEE. Last evaluated: 2025-01-06. Review status: criteria provided, single submitter. Criteria: Invitae Variant Classification Sherloc (09022015). Collection method: clinical testing. Allele origin: germline.

Women's Health and Genetics/Laboratory Corporation of America, LabCorp
Classification: Likely benign. Last evaluated: 2022-01-14. Review status: criteria provided, single submitter. Criteria: LabCorp Variant Classification Summary - May 2015. Collection method: clinical testing. Allele origin: germline.
Comment: Variant summary: SCN1A c.3276T>G results in a synonymous change. 4/4 computational tools predict no significant impact on normal splicing. However, these predictions have yet to be confirmed by functional studies. The variant allele was found at a frequency of 1.6e-05 in 251310 control chromosomes. The available data on variant occurrences in the general population are insufficient to allow any conclusion about variant significance. One clinical diagnostic laboratory has submitted clinical-significance assessments for this variant to ClinVar after 2014 without evidence for independent evaluation. One laboratory classified the variant as likely benign. Based on the evidence outlined above, the variant was classified as likely benign.

GeneDx
Classification: Likely benign. Last evaluated: 2019-04-08. Review status: criteria provided, single submitter. Criteria: GeneDx Variant Classification Process June 2021. Collection method: clinical testing. Allele origin: germline. Affected: yes.